The following is an entry in ClinVar:

ClinVar aggregate classification (germline): Uncertain significance (1 of 4 stars; one submission).

Allele frequency attached by ClinVar (database versions not stated): gnomAD exomes below 0.00001.
gnomAD v4.1: 1 of 1,614,024 alleles (0.000062%); highest among the groups gnomAD compares: South Asian, 0.0011%; no homozygotes.

Submission:

Labcorp Genetics (formerly Invitae), Labcorp
Classification: Uncertain significance. Last evaluated: 2025-07-31. Review status: criteria provided, single submitter. Criteria: Invitae Variant Classification Sherloc (09022015). Collection method: clinical testing. Allele origin: germline.
Comment: This sequence change replaces alanine, which is neutral and non-polar, with aspartic acid, which is acidic and polar, at codon 234 of the IMPG2 protein (p.Ala234Asp). This variant is not present in population databases (gnomAD no frequency). This variant has not been reported in the literature in individuals affected with IMPG2-related conditions. ClinVar contains an entry for this variant (Variation ID: 1349924). Invitae Evidence Modeling of protein sequence and biophysical properties (such as structural, functional, and spatial information, amino acid conservation, physicochemical variation, residue mobility, and thermodynamic stability) indicates that this missense variant is not expected to disrupt IMPG2 protein function with a negative predictive value of 80%. In summary, the available evidence is currently insufficient to determine the role of this variant in disease. Therefore, it has been classified as a Variant of Uncertain Significance.

NM_016247.4(IMPG2):c.701C>A (p.Ala234Asp)

Gene: IMPG2 (interphotoreceptor matrix proteoglycan 2; minus strand). Cytogenetic location: 3q12.3.
Variant type: single nucleotide variant.
Coding change: c.701C>A on transcript NM_016247.4 (MANE Select); coding-DNA position 701, C replaced by A.
Protein change: p.Ala234Asp; replaces alanine 234 with aspartic acid.
Molecular consequence: missense variant.
Genome position (GRCh38, 1-based): chr3:101,273,708, G>T on the plus strand (C>A on the coding strand, the complement: IMPG2 is on the minus strand). VCF-style: chr3-101273708-G-T. GRCh37 (hg19) VCF-style: chr3-100992552-G-T.
Other names: short protein forms A234D.
Identifiers: ClinVar variation 1349924 (VCV001349924.6), dbSNP rs2107251167, ClinGen allele CA353868107.